The following is an entry in ClinVar:

NM_000180.4(GUCY2D):c.3G>A (p.Met1Ile)

Gene: GUCY2D (guanylate cyclase 2D, retinal; plus strand). Cytogenetic location: 17p13.1.
Variant type: single nucleotide variant.
Coding change: c.3G>A on transcript NM_000180.4 (MANE Select); coding-DNA position 3, G replaced by A.
Protein change: p.Met1Ile; changes the start codon (methionine 1).
Molecular consequence: missense variant, initiator codon variant.
Genome position (GRCh38, 1-based): chr17:8,003,050, G>A. VCF-style: chr17-8003050-G-A. GRCh37 (hg19) VCF-style: chr17-7906368-G-A.
Other names: NM_000180.4(GUCY2D):c.3G>A; p.Met1Ile; short protein forms M1I.
Identifiers: ClinVar variation 98603 (VCV000098603.3), dbSNP rs281865409, ClinGen allele CA226144.

ClinVar aggregate classification (germline): Pathogenic. Review status: reviewed by expert panel (3 of 4 stars). 3 submissions from 3 submitters: Pathogenic (1). 2 of the submissions do not count toward it. Last evaluated 2025-01-30.

Conditions:
GUCY2D-related recessive retinopathy. Also called: Recessive GUCY2D retinopathy. Identifiers: MedGen CN305603, MONDO:0100453.
Leber congenital amaurosis 1 (LCA1). Also called: AMAUROSIS CONGENITA OF LEBER I; RETINAL BLINDNESS, CONGENITAL; Congenital absence of the rods and cones; Leber's congenital tapetoretinal degeneration; Leber's congenital tapetoretinal dysplasia. Identifiers: Orphanet 65, MedGen C2931258, MONDO:0008764, OMIM 204000.

Submissions (3):

ClinGen Leber Congenital Amaurosis/early Onset Retinal Dystrophy Variant Curation Expert Panel, ClinGen
Classification: Pathogenic for GUCY2D-related recessive retinopathy. Last evaluated: 2025-01-30. Review status: reviewed by expert panel. Criteria: ClinGen LCAeoRD ACMG Specifications GUCY2D V1.0.0. Collection method: curation. Allele origin: germline. Inheritance: Autosomal recessive inheritance.
Comment: The NM_000180.4(GUCY2D):c.3G>A variant is predicted to change the initiation codon (p.Met1) to a stop codon, with no known alternative start codons present (PVS1). This variant is absent from gnomAD v4.1.0 (PM2_supporting). This variant has been reported in 2 unrelated probands with early-onset severe retinal dystrophy who were homozygous for the variant (0.5 points each), PMIDs: 37327959, 10951519). (1 total point, PM3). At least one proband harboring this variant exhibits a phenotype including diagnosis of LCA (0.5 pts), severe visual loss present at birth (1 pt), congenital nystagmus (1 pt), photophobia (1 pt), dyschromatopsia (1 pt), and nonrecordable ERG (0.5 pts) which together are specific for GUCY2D-related recessive retinopathy (total of 5 points, PMID: 37327959, PP4). In summary, this variant meets the criteria to be classified as Pathogenic for GUCY2D-related recessive retinopathy based on the ACMG/AMP criteria applied, as specified by the ClinGen LCA/eoRD VCEP: PVS1, PM2_supporting, PP4, PM3. (VCEP specifications version 1.0.0; date of approval 01/22/2025).

Laboratory of Genetics in Ophthalmology, Institut Imagine
Classification: Pathogenic for Leber congenital amaurosis 1. Review status: no assertion criteria provided. Collection method: research. Allele origin: inherited. Affected: yes. Observed: 1 variant allele. Not counted in ClinVar's aggregate classification.

Retina International
No classification provided. Review status: no classification provided. Collection method: not provided. Allele origin: unknown. Not counted in ClinVar's aggregate classification.

Literature cited by the submitters: PubMed 10951519 (cited by Laboratory of Genetics in Ophthalmology, Institut Imagine).